The following is an entry in ClinVar:

ClinVar aggregate classification (germline): Uncertain significance (1 of 4 stars; one submission).

Allele frequency attached by ClinVar (database versions not stated): gnomAD exomes below 0.00001 and 0.00001; ExAC 0.00001.
gnomAD v4.1: 2 of 1,614,064 alleles (0.00012%); highest among the groups gnomAD compares: Non-Finnish European, 0.00017%; no homozygotes.

Submission:

Labcorp Genetics (formerly Invitae), Labcorp
Classification: Uncertain significance. Last evaluated: 2024-12-16. Review status: criteria provided, single submitter. Criteria: Invitae Variant Classification Sherloc (09022015). Collection method: clinical testing. Allele origin: germline.
Comment: This sequence change replaces proline, which is neutral and non-polar, with serine, which is neutral and polar, at codon 315 of the SEMA4A protein (p.Pro315Ser). This variant is present in population databases (rs762617991, gnomAD 0.002%). This variant has not been reported in the literature in individuals affected with SEMA4A-related conditions. ClinVar contains an entry for this variant (Variation ID: 1058957). Invitae Evidence Modeling of protein sequence and biophysical properties (such as structural, functional, and spatial information, amino acid conservation, physicochemical variation, residue mobility, and thermodynamic stability) indicates that this missense variant is not expected to disrupt SEMA4A protein function with a negative predictive value of 80%. In summary, the available evidence is currently insufficient to determine the role of this variant in disease. Therefore, it has been classified as a Variant of Uncertain Significance.

NM_022367.4(SEMA4A):c.943C>T (p.Pro315Ser)

Gene: SEMA4A (semaphorin 4A; plus strand). Cytogenetic location: 1q22.
Variant type: single nucleotide variant.
Coding change: c.943C>T on transcript NM_022367.4 (MANE Select); coding-DNA position 943, C replaced by T.
Protein change: p.Pro315Ser; replaces proline 315 with serine.
Molecular consequence: missense variant.
Genome position (GRCh38, 1-based): chr1:156,161,478, C>T. VCF-style: chr1-156161478-C-T. GRCh37 (hg19) VCF-style: chr1-156131269-C-T.
Other names: c.943C>T, p.Pro315Ser (NM_001193300.2, NM_001193301.2, NM_001370567.1); c.547C>T, p.Pro183Ser (NM_001193302.2); c.646C>T, p.Pro216Ser (NM_001370568.1); c.436C>T, p.Pro146Ser (NM_001370569.1, NM_001370571.1); short protein forms P146S, P183S, P216S, P315S.
Identifiers: ClinVar variation 1058957 (VCV001058957.9), dbSNP rs762617991, ClinGen allele CA1155220.